The following is an entry in ClinVar:

ClinVar aggregate classification (germline): Likely benign. Review status: criteria provided, multiple submitters, no conflicts (2 of 4 stars). 2 submissions from 2 submitters: Likely benign (2). Last evaluated 2022-10-01.

Submissions (2):

CeGaT Center for Human Genetics Tuebingen
Classification: Likely benign. Last evaluated: 2022-10-01. Review status: criteria provided, single submitter. Criteria: CeGaT Center For Human Genetics Tuebingen Variant Classification Criteria Version 2. Collection method: clinical testing. Allele origin: germline. Affected: yes. Observed: 1 variant allele.
Comment: PDE6C: PM2:Supporting, BP4, BP7

Labcorp Genetics (formerly Invitae), Labcorp
Classification: Likely benign. Last evaluated: 2022-04-16. Review status: criteria provided, single submitter. Criteria: Invitae Variant Classification Sherloc (09022015). Collection method: clinical testing. Allele origin: germline.

NM_006204.4(PDE6C):c.108C>A (p.Ile36=)

Gene: PDE6C (phosphodiesterase 6C; plus strand). Cytogenetic location: 10q23.33.
Variant type: single nucleotide variant.
Coding change: c.108C>A on transcript NM_006204.4 (MANE Select); coding-DNA position 108, C replaced by A.
Protein change: p.Ile36=; no amino-acid change (isoleucine 36 retained).
Molecular consequence: synonymous variant.
Genome position (GRCh38, 1-based): chr10:93,612,833, C>A. VCF-style: chr10-93612833-C-A. GRCh37 (hg19) VCF-style: chr10-95372590-C-A.
Identifiers: ClinVar variation 1928640 (VCV001928640.29), dbSNP rs2494085260, ClinGen allele CA470984677.
Genomic context (GRCh38, chr10:93,612,833, plus strand): 5'-CCCTCAGTTTGCCAAGGAGTACTTTGACAGGAAGTTGCGGGTGGAGGTGCTGGGAGAAAT[C>A]TTCAAGAACAGCCAGGTGCCAGTCCAGTCCAGCATGTCCTTCTCTGAGCTGACCCAGGTG-3'
Protein context (NP_006195.3, residues 26-46): RKLRVEVLGE[Ile36=]FKNSQVPVQS